The following is an entry in ClinVar:

ClinVar aggregate classification (germline): Benign (0 of 4 stars; one submission).

Conditions:
CHEK1-related disorder. Also called: CHEK1-related condition.

Allele frequency attached by ClinVar (database versions not stated): ExAC 0.05930; gnomAD exomes 0.06530; 1000 Genomes Project 0.11102; gnomAD 0.11186; 1000 Genomes Project 30x 0.11852; TOPMed 0.12021.
gnomAD v4.1: 53,606 of 702,408 alleles (7.6%); highest among the groups gnomAD compares: African/African-American, 24%; 3,087 homozygotes.

Submission:

PreventionGenetics, part of Exact Sciences
Classification: Benign for CHEK1-related condition. Last evaluated: 2019-10-30. Review status: no assertion criteria provided. Collection method: clinical testing. Allele origin: germline.
Comment: This variant is classified as benign based on ACMG/AMP sequence variant interpretation guidelines (Richards et al. 2015 PMID: 25741868, with internal and published modifications).

NM_001114122.3(CHEK1):c.-188A>G

Genes: CHEK1 (checkpoint kinase 1; plus strand), LOC118567325 (uncharacterized LOC118567325; minus strand). Cytogenetic location: 11q24.2.
Variant type: single nucleotide variant.
Coding change: c.-188A>G on transcript NM_001114122.3 (MANE Select); 188 bases upstream of the start codon, A replaced by G.
Molecular consequence: 5 prime UTR variant. On other transcripts: non-coding transcript variant (2).
Genome position (GRCh38, 1-based): chr11:125,625,845, A>G. VCF-style: chr11-125625845-A-G. GRCh37 (hg19) VCF-style: chr11-125495740-A-G.
Other names: c.-188A>G (NM_001114121.2, NM_001244846.1); c.-267A>G (NM_001330427.2).
Identifiers: ClinVar variation 3056356 (VCV003056356.2), dbSNP rs77183579, ClinGen allele CA6349259.